The following is an entry in ClinVar:

ClinVar aggregate classification (germline): Likely benign. Review status: criteria provided, multiple submitters, no conflicts (2 of 4 stars). 10 submissions from 10 submitters: Likely benign (6). 4 of the submissions do not count toward it. Last evaluated 2026-01-18.

Conditions:
Cardiovascular phenotype. Identifiers: MedGen CN230736.
VCL-related disorder. Also called: VCL-related condition.
Dilated cardiomyopathy 1W (CMD1W). Identifiers: Orphanet 154, MedGen C1969639, MONDO:0012667, OMIM 611407.

Allele frequency attached by ClinVar (database versions not stated): ExAC 0.00004; gnomAD exomes 0.00004 and 0.00006; gnomAD 0.00005; TOPMed 0.00007.
gnomAD v4.1: 95 of 1,613,806 alleles (0.0059%); highest among the groups gnomAD compares: African/African-American, 0.012%; no homozygotes.

Submissions (10):

Labcorp Genetics (formerly Invitae), Labcorp
Classification: Likely benign for Dilated cardiomyopathy 1W. Last evaluated: 2026-01-18. Review status: criteria provided, single submitter. Criteria: Invitae Variant Classification Sherloc (09022015). Collection method: clinical testing. Allele origin: germline.

CeGaT Center for Human Genetics Tuebingen
Classification: Likely benign. Last evaluated: 2025-09-01. Review status: criteria provided, single submitter. Criteria: CeGaT Center For Human Genetics Tuebingen Variant Classification Criteria Version 2. Collection method: clinical testing. Allele origin: germline. Affected: yes. Observed: 1 variant allele.
Comment: VCL: BP4, BP7

PreventionGenetics, part of Exact Sciences
Classification: Likely benign for VCL-related condition. Last evaluated: 2025-06-13. Review status: criteria provided, single submitter. Criteria: ACMG Guidelines, 2015. Collection method: clinical testing. Allele origin: germline.
Comment: This variant is classified as likely benign based on ACMG/AMP sequence variant interpretation guidelines (Richards et al. 2015 PMID: 25741868, with internal and published modifications).

ARUP Laboratories, Molecular Genetics and Genomics, ARUP Laboratories
Classification: Likely benign. Last evaluated: 2024-07-30. Review status: criteria provided, single submitter. Criteria: ARUP Molecular Germline Variant Investigation Process 2024. Collection method: clinical testing. Allele origin: germline.

Blueprint Genetics
Classification: Likely benign. Last evaluated: 2024-01-30. Review status: criteria provided, single submitter. Criteria: ACMG Guidelines, 2015. Collection method: clinical testing. Allele origin: germline.

Ambry Genetics
Classification: Likely benign for Cardiovascular phenotype. Last evaluated: 2020-10-02. Review status: criteria provided, single submitter. Criteria: Ambry Variant Classification Scheme 2023. Collection method: clinical testing. Allele origin: germline.

Clinical Genetics DNA and cytogenetics Diagnostics Lab, Erasmus MC, Erasmus Medical Center
Classification: Likely benign. Review status: no assertion criteria provided. Collection method: clinical testing. Allele origin: germline. Affected: yes. Study: VKGL Data-share Consensus. Not counted in ClinVar's aggregate classification.

Clinical Genetics, Academic Medical Center
Classification: Benign. Review status: no assertion criteria provided. Collection method: clinical testing. Allele origin: germline. Affected: yes. Study: VKGL Data-share Consensus. Not counted in ClinVar's aggregate classification.

Genome Diagnostics Laboratory, University Medical Center Utrecht
Classification: Likely benign. Review status: no assertion criteria provided. Collection method: clinical testing. Allele origin: germline. Affected: yes. Study: VKGL Data-share Consensus. Not counted in ClinVar's aggregate classification.

Joint Genome Diagnostic Labs from Nijmegen and Maastricht, Radboudumc and MUMC+
Classification: Likely benign. Review status: no assertion criteria provided. Collection method: clinical testing. Allele origin: germline. Affected: yes. Study: VKGL Data-share Consensus. Not counted in ClinVar's aggregate classification.

NM_014000.3(VCL):c.528C>T (p.Asp176=)

Gene: VCL (vinculin; plus strand). Cytogenetic location: 10q22.2.
Variant type: single nucleotide variant.
Coding change: c.528C>T on transcript NM_014000.3 (MANE Select); coding-DNA position 528, C replaced by T.
Protein change: p.Asp176=; no amino-acid change (aspartic acid 176 retained).
Molecular consequence: synonymous variant.
Genome position (GRCh38, 1-based): chr10:74,072,758, C>T. VCF-style: chr10-74072758-C-T. GRCh37 (hg19) VCF-style: chr10-75832516-C-T.
Other names: c.528C>T, p.Asp176= (NM_003373.4).
Identifiers: ClinVar variation 468823 (VCV000468823.28), dbSNP rs746453891, ClinGen allele CA5562796.
Genomic context (GRCh38, chr10:74,072,758, plus strand): 5'-TCACCCTGCACAATTTCTTCTTTGTGCCCCAGGAATGACTAAGATGGCCAAGATGATTGA[C>T]GAGAGACAGCAGGAGCTCACTCACCAGGAGCACCGAGTGATGTTGGTGAACTCGATGAAC-3'
Protein context (NP_054706.1, residues 166-186): PGMTKMAKMI[Asp176=]ERQQELTHQE